The following is an entry in ClinVar:

ClinVar aggregate classification (germline): Uncertain significance (1 of 4 stars; one submission).

gnomAD v4.1: 15 of 1,612,468 alleles (0.00093%); highest among the groups gnomAD compares: South Asian, 0.0077%; no homozygotes.

Submission:

Labcorp Genetics (formerly Invitae), Labcorp
Classification: Uncertain significance. Last evaluated: 2022-04-30. Review status: criteria provided, single submitter. Criteria: Invitae Variant Classification Sherloc (09022015). Collection method: clinical testing. Allele origin: germline.
Comment: In summary, the available evidence is currently insufficient to determine the role of this variant in disease. Therefore, it has been classified as a Variant of Uncertain Significance. This sequence change replaces glycine, which is neutral and non-polar, with arginine, which is basic and polar, at codon 62 of the CARD8 protein (p.Gly62Arg). This variant is present in population databases (rs751520956, gnomAD 0.02%). This variant has not been reported in the literature in individuals affected with CARD8-related conditions. Algorithms developed to predict the effect of missense changes on protein structure and function are either unavailable or do not agree on the potential impact of this missense change (SIFT: "Tolerated"; PolyPhen-2: "Possibly Damaging"; Align-GVGD: "Class C0").

NM_001184900.3(CARD8):c.334G>C (p.Gly112Arg)

Gene: CARD8 (caspase recruitment domain family member 8; minus strand). Cytogenetic location: 19q13.33.
Variant type: single nucleotide variant.
Coding change: c.334G>C on transcript NM_001184900.3 (MANE Select); coding-DNA position 334, G replaced by C.
Protein change: p.Gly112Arg; replaces glycine 112 with arginine.
Molecular consequence: missense variant. On other transcripts: synonymous variant (6), 5 prime UTR variant (1), non-coding transcript variant (4).
Genome position (GRCh38, 1-based): chr19:48,234,419, C>G on the plus strand (G>C on the coding strand, the complement: CARD8 is on the minus strand). VCF-style: chr19-48234419-C-G. GRCh37 (hg19) VCF-style: chr19-48737676-C-G.
Other names: c.184G>C, p.Gly62Arg (NM_001184901.1, NM_001351783.2, NM_001351788.2 and 2 more transcripts); c.334G>C, p.Gly112Arg (NM_001184902.2, NM_001184903.1, NM_001351782.2); c.60G>C, p.Leu20= (NM_001351784.2, NM_001351787.2, NM_001351791.2 and 2 more transcripts); c.-155G>C (NM_001351786.2); c.132G>C, p.Leu44= (NM_001351790.2); short protein forms G112R, G62R.
Identifiers: ClinVar variation 2194998 (VCV002194998.4), dbSNP rs751520956, ClinGen allele CA9548092.